The following is an entry in ClinVar:

ClinVar aggregate classification (germline): Pathogenic/Likely pathogenic. Review status: criteria provided, multiple submitters, no conflicts (2 of 4 stars). 2 submissions from 2 submitters: Pathogenic (1); Likely pathogenic (1). Last evaluated 2025-06-17.

Conditions:
SPATA7-related disorder. Also called: SPATA7-related disorders; SPATA7-related condition. Identifiers: MedGen CN239422.
Leber congenital amaurosis 3 (LCA3). Also called: SPATA7-Related Retinitis Pigmentosa. Identifiers: MedGen C1858677, MONDO:0011415, OMIM 604232.

Submissions (2):

Labcorp Genetics (formerly Invitae), Labcorp
Classification: Pathogenic for Leber congenital amaurosis 3. Last evaluated: 2025-06-17. Review status: criteria provided, single submitter. Criteria: Invitae Variant Classification Sherloc (09022015). Collection method: clinical testing. Allele origin: germline.
Comment: This sequence change creates a premature translational stop signal (p.Ser75Ilefs*4) in the SPATA7 gene. It is expected to result in an absent or disrupted protein product. Loss-of-function variants in SPATA7 are known to be pathogenic (PMID: 19268277, 22334370, 23847139, 26047050, 26261414). This variant is not present in population databases (gnomAD no frequency). This variant has not been reported in the literature in individuals affected with SPATA7-related conditions. ClinVar contains an entry for this variant (Variation ID: 3760323). For these reasons, this variant has been classified as Pathogenic.

Blueprint Genetics
Classification: Likely pathogenic for SPATA7-related disorders. Last evaluated: 2019-08-06. Review status: criteria provided, single submitter. Criteria: ACMG Guidelines, 2015. Collection method: clinical testing. Allele origin: germline. Affected: yes. Observed: 1 variant allele.

Literature cited by the submitters: PubMed 19268277 (cited by Labcorp Genetics (formerly Invitae), Labcorp); PubMed 22334370 (cited by Labcorp Genetics (formerly Invitae), Labcorp); PubMed 23847139 (cited by Labcorp Genetics (formerly Invitae), Labcorp); PubMed 26047050 (cited by Labcorp Genetics (formerly Invitae), Labcorp); PubMed 26261414 (cited by Labcorp Genetics (formerly Invitae), Labcorp).

NM_018418.5(SPATA7):c.224del (p.Ser75fs)

Gene: SPATA7 (spermatogenesis associated 7; plus strand). Cytogenetic location: 14q31.3.
Variant type: Deletion.
Coding change: c.224del on transcript NM_018418.5 (MANE Select); coding-DNA position 224, one base deleted (G; older notation c.224delG).
Protein change: p.Ser75fs; shifts the reading frame from serine 75.
Molecular consequence: frameshift variant.
Genome position (GRCh38, 1-based): chr14:88,396,189, G deleted. VCF-style (leftmost placement, unchanged base first): chr14-88396188-AG-A. GRCh37 (hg19) VCF-style: chr14-88862532-AG-A.
Other names: c.128del, p.Ser43fs (NM_001040428.4); short protein forms S43fs, S75fs.
Identifiers: ClinVar variation 3760323 (VCV003760323.3).